The following is an entry in ClinVar:

NM_006231.4(POLE):c.3718GAG[1] (p.Glu1241del)

Gene: POLE (DNA polymerase epsilon, catalytic subunit; minus strand). Cytogenetic location: 12q24.33.
Variant type: Microsatellite.
Coding change: c.3718GAG[1] on transcript NM_006231.4 (MANE Select); one copy of the 3-base unit GAG starting at c.3718; the reference has two copies in a row; one copy, 3 bases deleted.
Protein change: p.Glu1241del; deletes glutamic acid 1241.
Molecular consequence: inframe deletion.
Genome position (GRCh38, 1-based): chr12:132,649,749-132,649,751, CTC deleted on the plus strand (GAG on the coding strand, the reverse complement: POLE is on the minus strand); deleting any 3 consecutive bases within chr12:132,649,749-132,649,756 gives the same sequence; the position shown is the placement nearest the transcript's 3' end. VCF-style (leftmost placement, unchanged base first): chr12-132649748-ACTC-A. GRCh37 (hg19) VCF-style: chr12-133226334-ACTC-A.
Other names: short protein forms E1241del.
Identifiers: ClinVar variation 1988230 (VCV001988230.4), dbSNP rs2541954123, ClinGen allele CA2575359431.

ClinVar aggregate classification (germline): Uncertain significance (1 of 4 stars; one submission).

Submission:

Labcorp Genetics (formerly Invitae), Labcorp
Classification: Uncertain significance. Last evaluated: 2023-05-31. Review status: criteria provided, single submitter. Criteria: Invitae Variant Classification Sherloc (09022015). Collection method: clinical testing. Allele origin: germline.
Comment: In summary, the available evidence is currently insufficient to determine the role of this variant in disease. Therefore, it has been classified as a Variant of Uncertain Significance. This variant, c.3721_3723del, results in the deletion of 1 amino acid(s) of the POLE protein (p.Glu1241del), but otherwise preserves the integrity of the reading frame. This variant is not present in population databases (gnomAD no frequency). This variant has not been reported in the literature in individuals affected with POLE-related conditions.